The following is an entry in ClinVar:

NM_203446.3(SYNJ1):c.225A>C (p.Leu75Phe)

Gene: SYNJ1 (synaptojanin 1; minus strand). Cytogenetic location: 21q22.11.
Variant type: single nucleotide variant.
Coding change: c.225A>C on transcript NM_203446.3 (MANE Select); coding-DNA position 225, A replaced by C.
Protein change: p.Leu75Phe; replaces leucine 75 with phenylalanine.
Molecular consequence: missense variant.
Genome position (GRCh38, 1-based): chr21:32,700,092, T>G on the plus strand (A>C on the coding strand, the complement: SYNJ1 is on the minus strand). VCF-style: chr21-32700092-T-G. GRCh37 (hg19) VCF-style: chr21-34072402-T-G.
Other names: c.225A>C, p.Leu75Phe (NM_001160302.2, NM_001160306.2); c.342A>C, p.Leu114Phe (NM_003895.4); short protein forms L114F, L75F.
Identifiers: ClinVar variation 1010606 (VCV001010606.10), dbSNP rs2042346717, ClinGen allele CA410102110.

ClinVar aggregate classification (germline): Uncertain significance (1 of 4 stars; one submission).

Conditions:
Early-onset Parkinson disease 20. Also called: PARKINSON DISEASE 20, AUTOSOMAL RECESSIVE EARLY-ONSET. Identifiers: Orphanet 391411, MedGen C3809824, MONDO:0014233, OMIM 615530.
Developmental and epileptic encephalopathy, 53. Also called: Epileptic encephalopathy, early infantile, 53. Identifiers: MedGen C4479313, MONDO:0033362, OMIM 617389.

Submission:

Labcorp Genetics (formerly Invitae), Labcorp
Classification: Uncertain significance for Developmental and epileptic encephalopathy, 53; Early-onset Parkinson disease 20. Last evaluated: 2020-10-01. Review status: criteria provided, single submitter. Criteria: Invitae Variant Classification Sherloc (09022015). Collection method: clinical testing. Allele origin: germline.
Comment: This sequence change replaces leucine with phenylalanine at codon 114 of the SYNJ1 protein (p.Leu114Phe). The leucine residue is moderately conserved and there is a small physicochemical difference between leucine and phenylalanine. This variant is not present in population databases (ExAC no frequency). This variant has not been reported in the literature in individuals with SYNJ1-related conditions. Algorithms developed to predict the effect of missense changes on protein structure and function are either unavailable or do not agree on the potential impact of this missense change (SIFT: "Tolerated"; PolyPhen-2: "Possibly Damaging"; Align-GVGD: "Class C0"). In summary, the available evidence is currently insufficient to determine the role of this variant in disease. Therefore, it has been classified as a Variant of Uncertain Significance.